The following is an entry in ClinVar:

NM_006267.5(RANBP2):c.1123A>T (p.Thr375Ser)

Gene: RANBP2 (RAN binding protein 2; plus strand). Cytogenetic location: 2q13.
Variant type: single nucleotide variant.
Coding change: c.1123A>T on transcript NM_006267.5 (MANE Select); coding-DNA position 1123, A replaced by T.
Protein change: p.Thr375Ser; replaces threonine 375 with serine.
Molecular consequence: missense variant.
Genome position (GRCh38, 1-based): chr2:108,748,979, A>T. VCF-style: chr2-108748979-A-T. GRCh37 (hg19) VCF-style: chr2-109365435-A-T.
Other names: c.1123A>T, p.Thr375Ser (NM_001415871.1, NM_001415873.1); c.1120A>T, p.Thr374Ser (NM_001415872.1); c.1123A>T (NM_006267.4); short protein forms T374S, T375S.
Identifiers: ClinVar variation 2651246 (VCV002651246.25), dbSNP rs568766008, ClinGen allele CA1822229.
Genomic context (GRCh38, chr2:108,748,979, plus strand): 5'-GGGCACATGTTGCTAAACTTAAGTCGTGGCAAGCAAGATTTTTTAAAAGAGATTGTTGAA[A>T]CTTTTGCCAACAAAAGCGGGCAGTCTGCATTATATGATGCTCTGTTTTCTAGTCAGTCAC-3'
Protein context (NP_006258.3, residues 365-385): KQDFLKEIVE[Thr375Ser]FANKSGQSAL

ClinVar aggregate classification (germline): Likely benign. Review status: criteria provided, multiple submitters, no conflicts (2 of 4 stars). 2 submissions from 2 submitters: Likely benign (2). Last evaluated 2023-12-22.

Allele frequency attached by ClinVar (database versions not stated): gnomAD exomes below 0.00001; ExAC 0.00001; gnomAD 0.00003; TOPMed 0.00009; 1000 Genomes Project 30x 0.00016; 1000 Genomes Project 0.00020.
gnomAD v4.1: 11 of 1,612,002 alleles (0.00068%); highest among the groups gnomAD compares: African/African-American, 0.013%; no homozygotes.

Submissions (2):

Ambry Genetics
Classification: Likely benign. Last evaluated: 2023-12-22. Review status: criteria provided, single submitter. Criteria: Ambry Variant Classification Scheme 2023. Collection method: clinical testing. Allele origin: germline.

CeGaT Center for Human Genetics Tuebingen
Classification: Likely benign. Last evaluated: 2022-08-01. Review status: criteria provided, single submitter. Criteria: CeGaT Center For Human Genetics Tuebingen Variant Classification Criteria Version 2. Collection method: clinical testing. Allele origin: germline. Affected: yes. Observed: 1 variant allele.
Comment: RANBP2: BP4